The following is an entry in ClinVar:

NM_000321.3(RB1):c.597A>G (p.Leu199=)

Gene: RB1 (RB transcriptional corepressor 1; plus strand). Cytogenetic location: 13q14.2.
Variant type: single nucleotide variant.
Coding change: c.597A>G on transcript NM_000321.3 (MANE Select); coding-DNA position 597, A replaced by G.
Protein change: p.Leu199=; no amino-acid change (leucine 199 retained).
Molecular consequence: synonymous variant.
Genome position (GRCh38, 1-based): chr13:48,349,013, A>G. VCF-style: chr13-48349013-A-G. GRCh37 (hg19) VCF-style: chr13-48923149-A-G.
Other names: c.597A>G, p.Leu199= (NM_001407165.1, NM_001407166.1).
Identifiers: ClinVar variation 3313027 (VCV003313027.3).

ClinVar aggregate classification (germline): Benign/Likely benign. Review status: criteria provided, multiple submitters, no conflicts (2 of 4 stars). 3 submissions from 3 submitters: Benign (1); Likely benign (2). Last evaluated 2026-06-23.

Conditions:
Retinoblastoma (RB1). Also called: RETINOBLASTOMA, SOMATIC. Identifiers: Orphanet 790, MedGen C0035335, MeSH D012175, MONDO:0008380, OMIM 180200, HP:0009919. Disease mechanism: loss of function. Inheritance: Both sporadic and heritable forms are tested..
Hereditary cancer-predisposing syndrome. Also called: Neoplastic Syndromes, Hereditary; Tumor predisposition; Hereditary Cancer Syndrome; Hereditary neoplastic syndrome. Identifiers: Orphanet 140162, MedGen C0027672, MeSH D009386, MONDO:0015356.

gnomAD v4.1: 2 of 1,598,736 alleles (0.00013%); highest among the groups gnomAD compares: African/African-American, 0.0027%; no homozygotes.

Submissions (3):

Myriad Genetics, Inc.
Classification: Benign for Retinoblastoma. Last evaluated: 2026-06-23. Review status: criteria provided, single submitter. Criteria: Myriad Autosomal Dominant, Autosomal Recessive and X-Linked Classification Criteria (2023). Collection method: clinical testing. Allele origin: unknown.
Comment: This variant is considered benign. This variant is a silent/synonymous amino acid change and it is not expected to impact splicing.

Color Diagnostics, LLC DBA Color Health
Classification: Likely benign for Retinoblastoma. Last evaluated: 2025-05-25. Review status: criteria provided, single submitter. Criteria: ACMG Guidelines, 2015. Collection method: clinical testing. Allele origin: germline.

Ambry Genetics
Classification: Likely benign for Hereditary cancer-predisposing syndrome. Last evaluated: 2024-03-20. Review status: criteria provided, single submitter. Criteria: Ambry Variant Classification Scheme 2023. Collection method: clinical testing. Allele origin: germline.